The following is an entry in ClinVar:

ClinVar aggregate classification (germline): Uncertain significance. Review status: criteria provided, multiple submitters, no conflicts (2 of 4 stars). 2 submissions from 2 submitters: Uncertain significance (2). Last evaluated 2025-06-18.

Submissions (2):

GeneDx
Classification: Uncertain significance. Last evaluated: 2025-06-18. Review status: criteria provided, single submitter. Criteria: GeneDx Variant Classification Process June 2021. Collection method: clinical testing. Allele origin: germline. Affected: yes.
Comment: Not observed at significant frequency in large population cohorts (gnomAD); In silico analysis supports that this missense variant has a deleterious effect on protein structure/function; Has not been previously published as pathogenic or benign to our knowledge; Does not affect a cysteine or calcium-binding residue within an EGF-like domain or a TGF-binding protein domain of the FBN1 gene; cysteine substitutions in the EGF-like domains represent the majority of pathogenic missense changes associated with FBN1-related disorders (PMID: 12938084); This variant is associated with the following publications: (PMID: 12938084)

Women's Health and Genetics/Laboratory Corporation of America, LabCorp
Classification: Uncertain significance. Last evaluated: 2024-11-15. Review status: criteria provided, single submitter. Criteria: LabCorp Variant Classification Summary - May 2015. Collection method: clinical testing. Allele origin: germline.
Comment: Variant summary: FBN1 c.7554C>G (p.His2518Gln) results in a non-conservative amino acid change located in the Calcium-binding EGF-like domain (IPR001881) of the encoded protein sequence. Three of five in-silico tools predict a damaging effect of the variant on protein function. The variant was absent in 251276 control chromosomes. The available data on variant occurrences in the general population are insufficient to allow any conclusion about variant significance. To our knowledge, no occurrence of c.7554C>G in individuals affected with Aortopathy and no experimental evidence demonstrating its impact on protein function have been reported. No submitters have cited clinical-significance assessments for this variant to ClinVar. Based on the evidence outlined above, the variant was classified as uncertain significance.

NM_000138.5(FBN1):c.7554C>G (p.His2518Gln)

Gene: FBN1 (fibrillin 1; minus strand). Cytogenetic location: 15q21.1.
Variant type: single nucleotide variant.
Coding change: c.7554C>G on transcript NM_000138.5 (MANE Select); coding-DNA position 7554, C replaced by G.
Protein change: p.His2518Gln; replaces histidine 2518 with glutamine.
Molecular consequence: missense variant.
Genome position (GRCh38, 1-based): chr15:48,421,968, G>C on the plus strand (C>G on the coding strand, the complement: FBN1 is on the minus strand). VCF-style: chr15-48421968-G-C. GRCh37 (hg19) VCF-style: chr15-48714165-G-C.
Other names: c.7554C>G, p.His2518Gln (NM_001406716.1); short protein forms H2518Q.
Identifiers: ClinVar variation 3629605 (VCV003629605.2).